The following is an entry in ClinVar:

ClinVar aggregate classification (germline): Uncertain significance. Review status: criteria provided, multiple submitters, no conflicts (2 of 4 stars). 2 submissions from 2 submitters: Uncertain significance (2). Last evaluated 2025-09-21.

Conditions:
Primary dilated cardiomyopathy (DCM). Also called: Dilated Cardiomyopathy. Identifiers: Orphanet 217604, MedGen C0007193, MeSH D002311, MONDO:0005021, HP:0001644. Inheritance: Various modes of inheritance.

Allele frequency attached by ClinVar (database versions not stated): gnomAD 0.00001; gnomAD exomes 0.00004; ExAC 0.00011.
gnomAD v4.1: 58 of 1,603,870 alleles (0.0036%); highest among the groups gnomAD compares: South Asian, 0.061%; 3 homozygotes.

Submissions (2):

Ambry Genetics
Classification: Uncertain significance. Last evaluated: 2025-09-21. Review status: criteria provided, single submitter. Criteria: Ambry Variant Classification Scheme 2023. Collection method: clinical testing. Allele origin: germline.
Comment: The p.D8G variant (also known as c.23A>G), located in coding exon 1 of the NEBL gene, results from an A to G substitution at nucleotide position 23. The aspartic acid at codon 8 is replaced by glycine, an amino acid with similar properties. This amino acid position is conserved. In addition, this alteration is predicted to be tolerated by in silico analysis. Since supporting evidence is limited at this time, the clinical significance of this alteration remains unclear.

Labcorp Genetics (formerly Invitae), Labcorp
Classification: Uncertain significance for Primary dilated cardiomyopathy. Last evaluated: 2025-05-18. Review status: criteria provided, single submitter. Criteria: Invitae Variant Classification Sherloc (09022015). Collection method: clinical testing. Allele origin: germline.
Comment: This sequence change replaces aspartic acid, which is acidic and polar, with glycine, which is neutral and non-polar, at codon 8 of the NEBL protein (p.Asp8Gly). This variant is present in population databases (rs758081493, gnomAD 0.05%). This variant has not been reported in the literature in individuals affected with NEBL-related conditions. ClinVar contains an entry for this variant (Variation ID: 2448879). An algorithm developed to predict the effect of missense changes on protein structure and function (PolyPhen-2) suggests that this variant is likely to be tolerated. Algorithms developed to predict the effect of sequence changes on RNA splicing suggest that this variant may disrupt the consensus splice site. In summary, the available evidence is currently insufficient to determine the role of this variant in disease. Therefore, it has been classified as a Variant of Uncertain Significance.

NM_006393.3(NEBL):c.23A>G (p.Asp8Gly)

Gene: NEBL (nebulette; minus strand). Cytogenetic location: 10p12.31.
Variant type: single nucleotide variant.
Coding change: c.23A>G on transcript NM_006393.3 (MANE Select); coding-DNA position 23, A replaced by G.
Protein change: p.Asp8Gly; replaces aspartic acid 8 with glycine.
Molecular consequence: missense variant. On other transcripts: intron variant (9).
Genome position (GRCh38, 1-based): chr10:20,897,183, T>C on the plus strand (A>G on the coding strand, the complement: NEBL is on the minus strand). VCF-style: chr10-20897183-T-C. GRCh37 (hg19) VCF-style: chr10-21186112-T-C.
Other names: c.249+64489A>G (NM_001377326.1, NM_001377327.1, NM_001377328.1); c.357+64489A>G (NM_213569.2, NM_001173484.2, NM_001377322.1); c.300+64489A>G (NM_001377324.1); c.291+64489A>G (NM_001377325.1); c.309+64489A>G (NM_001377323.1); short protein forms D8G.
Identifiers: ClinVar variation 2448879 (VCV002448879.4), dbSNP rs758081493, ClinGen allele CA5433416.
Genomic context (GRCh38, chr10:20,897,183, plus strand): 5'-ACCTGGTCTTCTTCATTTTCTTCTTCCCCTATCTTTTCTTCTTCAGTTTCATCTTTTATA[T>C]CCTCAAATACAGGGACCCTCATTTTTACCCTTTAAAATATTTATATTTTTAAAATTTACT-3'
Protein context (NP_006384.1, residues 1-18): MRVPVFE[Asp8Gly]IKDETEEEKI